The following is an entry in ClinVar:

NM_000057.4(BLM):c.2541T>G (p.Ile847Met)

Gene: BLM (BLM RecQ like helicase; plus strand). Cytogenetic location: 15q26.1.
Variant type: single nucleotide variant.
Coding change: c.2541T>G on transcript NM_000057.4 (MANE Select); coding-DNA position 2541, T replaced by G.
Protein change: p.Ile847Met; replaces isoleucine 847 with methionine.
Molecular consequence: missense variant.
Genome position (GRCh38, 1-based): chr15:90,769,572, T>G. VCF-style: chr15-90769572-T-G. GRCh37 (hg19) VCF-style: chr15-91312802-T-G.
Other names: c.2541T>G, p.Ile847Met (NM_001287246.2, NM_001287247.2); c.1416T>G, p.Ile472Met (NM_001287248.2); short protein forms I847M, I472M.
Identifiers: ClinVar variation 3480846 (VCV003480846.1).

ClinVar aggregate classification (germline): Uncertain significance (1 of 4 stars; one submission).

Conditions:
Hereditary cancer-predisposing syndrome. Also called: Tumor predisposition; Neoplastic Syndromes, Hereditary; Hereditary Cancer Syndrome; Hereditary neoplastic syndrome. Identifiers: Orphanet 140162, MedGen C0027672, MeSH D009386, MONDO:0015356.

Submission:

Ambry Genetics
Classification: Uncertain significance for Hereditary cancer-predisposing syndrome. Last evaluated: 2024-09-01. Review status: criteria provided, single submitter. Criteria: Ambry Variant Classification Scheme 2023. Collection method: clinical testing. Allele origin: germline.
Comment: The p.I847M variant (also known as c.2541T>G), located in coding exon 11 of the BLM gene, results from a T to G substitution at nucleotide position 2541. The isoleucine at codon 847 is replaced by methionine, an amino acid with highly similar properties. This amino acid position is conserved. In addition, this alteration is predicted to be tolerated by in silico analysis. Based on the available evidence, the clinical significance of this variant remains unclear.